The following is an entry in ClinVar:

ClinVar aggregate classification (germline): Uncertain significance (1 of 4 stars; one submission).

Conditions:
Oligodontia-cancer predisposition syndrome. Also called: TOOTH AGENESIS-COLORECTAL CANCER SYNDROME. Identifiers: Orphanet 300576, MedGen C1837750, MONDO:0012075, OMIM 608615. Disease mechanism: loss of function.

Submission:

Labcorp Genetics (formerly Invitae), Labcorp
Classification: Uncertain significance for Oligodontia-cancer predisposition syndrome. Last evaluated: 2021-12-23. Review status: criteria provided, single submitter. Criteria: Invitae Variant Classification Sherloc (09022015). Collection method: clinical testing. Allele origin: germline.
Comment: In summary, the available evidence is currently insufficient to determine the role of this variant in disease. Therefore, it has been classified as a Variant of Uncertain Significance. Algorithms developed to predict the effect of missense changes on protein structure and function are either unavailable or do not agree on the potential impact of this missense change (SIFT: "Deleterious"; PolyPhen-2: "Benign"; Align-GVGD: "Class C0"). This variant has not been reported in the literature in individuals affected with AXIN2-related conditions. This variant is not present in population databases (gnomAD no frequency). This sequence change replaces isoleucine, which is neutral and non-polar, with threonine, which is neutral and polar, at codon 531 of the AXIN2 protein (p.Ile531Thr).

NM_004655.4(AXIN2):c.1592T>C (p.Ile531Thr)

Gene: AXIN2 (axin 2; minus strand). Cytogenetic location: 17q24.1.
Variant type: single nucleotide variant.
Coding change: c.1592T>C on transcript NM_004655.4 (MANE Select); coding-DNA position 1592, T replaced by C.
Protein change: p.Ile531Thr; replaces isoleucine 531 with threonine.
Molecular consequence: missense variant.
Genome position (GRCh38, 1-based): chr17:65,537,444, A>G on the plus strand (T>C on the coding strand, the complement: AXIN2 is on the minus strand). VCF-style: chr17-65537444-A-G. GRCh37 (hg19) VCF-style: chr17-63533562-A-G.
Other names: c.1592T>C, p.Ile531Thr (NM_001363813.1); short protein forms I531T.
Identifiers: ClinVar variation 2056095 (VCV002056095.4), dbSNP rs2043948262, ClinGen allele CA400677194.